The following is an entry in ClinVar:

NM_001349253.2(SCN11A):c.5108T>A (p.Met1703Lys)

Gene: SCN11A (sodium voltage-gated channel alpha subunit 11; minus strand). Cytogenetic location: 3p22.2.
Variant type: single nucleotide variant.
Coding change: c.5108T>A on transcript NM_001349253.2 (MANE Select); coding-DNA position 5108, T replaced by A.
Protein change: p.Met1703Lys; replaces methionine 1703 with lysine.
Molecular consequence: missense variant.
Genome position (GRCh38, 1-based): chr3:38,846,962, A>T on the plus strand (T>A on the coding strand, the complement: SCN11A is on the minus strand). VCF-style: chr3-38846962-A-T. GRCh37 (hg19) VCF-style: chr3-38888453-A-T.
Other names: c.5108T>A, p.Met1703Lys (NM_014139.3); short protein forms M1703K.
Identifiers: ClinVar variation 1058076 (VCV001058076.9), dbSNP rs377712618, ClinGen allele CA2321396.

ClinVar aggregate classification (germline): Uncertain significance. Review status: criteria provided, multiple submitters, no conflicts (2 of 4 stars). 4 submissions from 4 submitters: Uncertain significance (4). Last evaluated 2026-05-10.

Conditions:
Hereditary sensory and autonomic neuropathy type 7. Also called: Neuropathy, hereditary sensory and autonomic, type VII; HSAN VII. Identifiers: Orphanet 391397, MedGen C3809882, MONDO:0014244, OMIM 615548.
Familial episodic pain syndrome with predominantly lower limb involvement. Also called: Episodic pain syndrome, familial, 3. Identifiers: Orphanet 391384, Orphanet 391392, MedGen C3809899, MONDO:0014247, OMIM 615552.
SCN11A-related disorder. Also called: SCN11A-related condition.
Inborn genetic diseases. Identifiers: MedGen C0950123, MeSH D030342.

Allele frequency attached by ClinVar (database versions not stated): ExAC 0.00002; gnomAD 0.00003 and 0.00004; gnomAD exomes 0.00003; ESP Exome Variant Server 0.00008.

Submissions (4):

PreventionGenetics, part of Exact Sciences
Classification: Uncertain significance for SCN11A-related condition. Last evaluated: 2026-05-10. Review status: criteria provided, single submitter. Criteria: ACMG Guidelines, 2015. Collection method: clinical testing. Allele origin: germline.
Comment: The SCN11A c.5108T>A variant is predicted to result in the amino acid substitution p.Met1703Lys. To our knowledge, this variant has not been reported in the literature. This variant is reported in 0.0062% of alleles in individuals of European (non-Finnish) descent in gnomAD. At this time, the clinical significance of this variant is uncertain due to the absence of conclusive functional and genetic evidence.

Ambry Genetics
Classification: Uncertain significance for Inborn genetic diseases. Last evaluated: 2025-08-26. Review status: criteria provided, single submitter. Criteria: Ambry Variant Classification Scheme 2023. Collection method: clinical testing. Allele origin: germline.

Labcorp Genetics (formerly Invitae), Labcorp
Classification: Uncertain significance for Familial episodic pain syndrome with predominantly lower limb involvement; Hereditary sensory and autonomic neuropathy type 7. Last evaluated: 2025-08-25. Review status: criteria provided, single submitter. Criteria: Invitae Variant Classification Sherloc (09022015). Collection method: clinical testing. Allele origin: germline.
Comment: This sequence change replaces methionine, which is neutral and non-polar, with lysine, which is basic and polar, at codon 1703 of the SCN11A protein (p.Met1703Lys). This variant is present in population databases (rs377712618, gnomAD 0.007%). This variant has not been reported in the literature in individuals affected with SCN11A-related conditions. ClinVar contains an entry for this variant (Variation ID: 1058076). Invitae Evidence Modeling of protein sequence and biophysical properties (such as structural, functional, and spatial information, amino acid conservation, physicochemical variation, residue mobility, and thermodynamic stability) indicates that this missense variant is expected to disrupt SCN11A protein function with a positive predictive value of 80%. In summary, the available evidence is currently insufficient to determine the role of this variant in disease. Therefore, it has been classified as a Variant of Uncertain Significance.

GeneDx
Classification: Uncertain significance. Last evaluated: 2021-09-02. Review status: criteria provided, single submitter. Criteria: GeneDx Variant Classification Process June 2021. Collection method: clinical testing. Allele origin: germline. Affected: yes.
Comment: In silico analysis supports that this missense variant has a deleterious effect on protein structure/function; Has not been previously published as pathogenic or benign to our knowledge